The following is an entry in ClinVar:

ClinVar aggregate classification (germline): Benign (1 of 4 stars; one submission).

Conditions:
DICER1-related tumor predisposition. Also called: DICER1-related pleuropulmonary blastoma cancer predisposition syndrome; DICER1 syndrome. Identifiers: Orphanet 284343, MedGen C3839822, MONDO:0100216.

Allele frequency attached by ClinVar (database versions not stated): gnomAD 0.00010 and 0.00011; TOPMed 0.00011; gnomAD exomes 0.00014; 1000 Genomes Project 0.00040; 1000 Genomes Project 30x 0.00047.

Submission:

Illumina Laboratory Services, Illumina
Classification: Benign for Pleuropulmonary blastoma. Last evaluated: 2018-01-13. Review status: criteria provided, single submitter. Criteria: ICSL Variant Classification Criteria 13 December 2019. Collection method: clinical testing. Allele origin: germline.
Comment: This variant was observed in the ICSL laboratory as part of a predisposition screen in an ostensibly healthy population. It had not been previously curated by ICSL or reported in the Human Gene Mutation Database (HGMD: prior to June 1st, 2018), and was therefore a candidate for classification through an automated scoring system. Utilizing variant allele frequency, disease prevalence and penetrance estimates, and inheritance mode, an automated score was calculated to assess if this variant is too frequent to cause the disease. Based on the score and internal cut-off values, a variant classified as benign is not then subjected to further curation. The score for this variant resulted in a classification of benign for this disease.

NM_177438.3(DICER1):c.*943T>A

Gene: DICER1 (dicer 1, ribonuclease III; minus strand). Cytogenetic location: 14q32.13.
Variant type: single nucleotide variant.
Coding change: c.*943T>A on transcript NM_177438.3 (MANE Select); 943 bases downstream of the stop codon, T replaced by A.
Molecular consequence: 3 prime UTR variant.
Genome position (GRCh38, 1-based): chr14:95,089,555, A>T on the plus strand (T>A on the coding strand, the complement: DICER1 is on the minus strand). VCF-style: chr14-95089555-A-T. GRCh37 (hg19) VCF-style: chr14-95555892-A-T.
Other names: c.*1059T>A (NM_001195573.1); c.*943T>A (NM_001271282.3, NM_001291628.2, NM_030621.4).
Identifiers: ClinVar variation 315087 (VCV000315087.6), dbSNP rs574200081, ClinGen allele CA10646656.